The following is an entry in ClinVar:

NM_000368.5(TSC1):c.3298A>G (p.Ser1100Gly)

Gene: TSC1 (TSC complex subunit 1; minus strand). Cytogenetic location: 9q34.13.
Variant type: single nucleotide variant.
Coding change: c.3298A>G on transcript NM_000368.5 (MANE Select); coding-DNA position 3298, A replaced by G.
Protein change: p.Ser1100Gly; replaces serine 1100 with glycine.
Molecular consequence: missense variant. On other transcripts: non-coding transcript variant (5).
Genome position (GRCh38, 1-based): chr9:132,896,432, T>C on the plus strand (A>G on the coding strand, the complement: TSC1 is on the minus strand). VCF-style: chr9-132896432-T-C. GRCh37 (hg19) VCF-style: chr9-135771819-T-C.
Other names: c.3295A>G, p.Ser1099Gly (NM_001162426.2, NM_001406597.1, NM_001406598.1 and 2 more transcripts); c.3145A>G, p.Ser1049Gly (NM_001162427.2, NM_001406610.1); c.2935A>G, p.Ser979Gly (NM_001362177.2, NM_001406614.1, NM_001406615.1 and 4 more transcripts); c.3298A>G, p.Ser1100Gly (NM_001406592.1, NM_001406593.1, NM_001406594.1 and 2 more transcripts); c.3283A>G, p.Ser1095Gly (NM_001406601.1, NM_001406602.1); c.3280A>G, p.Ser1094Gly (NM_001406603.1, NM_001406604.1); c.3256A>G, p.Ser1086Gly (NM_001406605.1, NM_001406606.1, NM_001406607.1); c.3253A>G, p.Ser1085Gly (NM_001406608.1, NM_001406609.1); and 8 more; short protein forms S1095G, S749G, S964G, S1049G, S1094G, S1100G, S965G, S1085G.
Identifiers: ClinVar variation 5031222 (VCV005031222.1).

ClinVar aggregate classification (germline): Uncertain significance (1 of 4 stars; one submission).

Conditions:
Hereditary cancer-predisposing syndrome. Also called: Neoplastic Syndromes, Hereditary; Tumor predisposition; Hereditary neoplastic syndrome; Hereditary Cancer Syndrome. Identifiers: Orphanet 140162, MedGen C0027672, MeSH D009386, MONDO:0015356.

Submission:

Ambry Genetics
Classification: Uncertain significance for Hereditary cancer-predisposing syndrome. Last evaluated: 2026-07-07. Review status: criteria provided, single submitter. Criteria: Ambry Variant Classification Scheme 2023. Collection method: clinical testing. Allele origin: germline.
Comment: The p.S1100G variant (also known as c.3298A>G), located in coding exon 21 of the TSC1 gene, results from an A to G substitution at nucleotide position 3298. The serine at codon 1100 is replaced by glycine, an amino acid with similar properties. This amino acid position is conserved. In addition, the in silico prediction for this alteration is inconclusive. Based on the available evidence, the clinical significance of this variant remains unclear.